The following is an entry in ClinVar:

NM_001164508.2(NEB):c.20934C>A (p.Tyr6978Ter)

Gene: NEB (nebulin; minus strand). Cytogenetic location: 2q23.3.
Variant type: single nucleotide variant.
Coding change: c.20934C>A on transcript NM_001164508.2 (MANE Select); coding-DNA position 20934, C replaced by A.
Protein change: p.Tyr6978Ter; replaces tyrosine 6978 with a stop codon.
Molecular consequence: nonsense.
Genome position (GRCh38, 1-based): chr2:151,538,203, G>T on the plus strand (C>A on the coding strand, the complement: NEB is on the minus strand). VCF-style: chr2-151538203-G-T. GRCh37 (hg19) VCF-style: chr2-152394717-G-T.
Other names: NM_001164508.2(NEB):c.20934C>A; p.Tyr6978Ter; c.20934C>A, p.Tyr6978Ter (NM_001164507.2, NM_001271208.2); c.15831C>A, p.Tyr5277Ter (NM_004543.5); short protein forms Y6978*, Y5277*.
Identifiers: ClinVar variation 1449485 (VCV001449485.7), dbSNP rs2153554020, ClinGen allele CA348776433.

ClinVar aggregate classification (germline): Pathogenic/Likely pathogenic. Review status: criteria provided, multiple submitters, no conflicts (2 of 4 stars). 2 submissions from 2 submitters: Pathogenic (1); Likely pathogenic (1). Last evaluated 2025-03-04.

Conditions:
Nemaline myopathy. Also called: Myopathies, Nemaline. Identifiers: Orphanet 607, MedGen C0206157, MONDO:0018958.
Nemaline myopathy 2 (NEM2). Also called: Nemaline myopathy 2, autosomal recessive. Identifiers: MedGen C1850569, MONDO:0009725, OMIM 256030.

gnomAD v4.1: 1 of 1,613,230 alleles (0.000062%); highest among the groups gnomAD compares: Non-Finnish European, 0.000085%; no homozygotes.

Submissions (2):

Broad Center for Mendelian Genomics, Broad Institute of MIT and Harvard
Classification: Likely pathogenic for Nemaline myopathy. Last evaluated: 2025-03-04. Review status: criteria provided, single submitter. Criteria: ACMG Guidelines, 2015. Collection method: curation. Allele origin: germline. Inheritance: Autosomal recessive inheritance.
Comment: The p.Tyr6978Ter variant in NEB has not been previously reported in the literature in individuals with nemaline myopathy, but has been identified in 0.00009% (1/1179286) of European (non-Finnish) chromosomes by the Genome Aggregation Database (gnomAD; dbSNP ID: rs2153554020). Although this variant has been seen in the general population in a heterozygous state, its frequency is low enough to be consistent with a recessive carrier frequency. This variant has also been reported in ClinVar (Variation ID: 1449485) and has been interpreted as pathogenic by Invitae. This nonsense variant leads to a premature termination codon at position 6978, which is predicted to lead to a truncated or absent protein. Loss of function of the NEB gene is an established disease mechanism in autosomal recessive nemaline myopathy. In summary, although additional studies are required to fully establish its clinical significance, this variant is likely pathogenic for autosomal recessive nemaline myopathy. ACMG/AMP Criteria applied: PVS1, PM2_supporting (Richards 2015).

Labcorp Genetics (formerly Invitae), Labcorp
Classification: Pathogenic for Nemaline myopathy 2. Last evaluated: 2021-03-10. Review status: criteria provided, single submitter. Criteria: Invitae Variant Classification Sherloc (09022015). Collection method: clinical testing. Allele origin: germline.
Comment: This sequence change creates a premature translational stop signal (p.Tyr6978*) in the NEB gene. It is expected to result in an absent or disrupted protein product. Loss-of-function variants in NEB are known to be pathogenic (PMID: 25205138). This variant is not present in population databases (ExAC no frequency). This variant has not been reported in the literature in individuals with NEB-related conditions. For these reasons, this variant has been classified as Pathogenic.

Literature cited by the submitters: PubMed 25205138 (cited by Labcorp Genetics (formerly Invitae), Labcorp).